The following is an entry in ClinVar:

NM_018975.4(TERF2IP):c.376G>C (p.Glu126Gln)

Gene: TERF2IP (TERF2 interacting protein; plus strand). Cytogenetic location: 16q23.1.
Variant type: single nucleotide variant.
Coding change: c.376G>C on transcript NM_018975.4 (MANE Select); coding-DNA position 376, G replaced by C.
Protein change: p.Glu126Gln; replaces glutamic acid 126 with glutamine.
Molecular consequence: missense variant. On other transcripts: non-coding transcript variant (1).
Genome position (GRCh38, 1-based): chr16:75,648,258, G>C. VCF-style: chr16-75648258-G-C. GRCh37 (hg19) VCF-style: chr16-75682156-G-C.
Other names: short protein forms E126Q.
Identifiers: ClinVar variation 1734752 (VCV001734752.3), dbSNP rs1567508165, ClinGen allele CA396817772.

ClinVar aggregate classification (germline): Uncertain significance (1 of 4 stars; one submission).

Submission:

Ambry Genetics
Classification: Uncertain significance. Last evaluated: 2024-10-18. Review status: criteria provided, single submitter. Criteria: Ambry Variant Classification Scheme 2023. Collection method: clinical testing. Allele origin: germline.
Comment: The p.E126Q variant (also known as c.376G>C), located in coding exon 1 of the TERF2IP gene, results from a G to C substitution at nucleotide position 376. The glutamic acid at codon 126 is replaced by glutamine, an amino acid with highly similar properties. This amino acid position is conserved. In addition, this alteration is predicted to be tolerated by in silico analysis. Since supporting evidence is limited at this time, the clinical significance of this alteration remains unclear.